The following is an entry in ClinVar:

NM_001374736.1(DST):c.10546T>C (p.Cys3516Arg)

Gene: DST (dystonin; minus strand). Cytogenetic location: 6p12.1.
Variant type: single nucleotide variant.
Coding change: c.10546T>C on transcript NM_001374736.1 (MANE Select); coding-DNA position 10546, T replaced by C.
Protein change: p.Cys3516Arg; replaces cysteine 3516 with arginine.
Molecular consequence: missense variant. On other transcripts: intron variant (6).
Genome position (GRCh38, 1-based): chr6:56,604,082, A>G on the plus strand (T>C on the coding strand, the complement: DST is on the minus strand). VCF-style: chr6-56604082-A-G. GRCh37 (hg19) VCF-style: chr6-56468880-A-G.
Other names: c.10546T>C, p.Cys3516Arg (NM_001374722.1); c.9913T>C, p.Cys3305Arg (NM_001374729.1); c.10573T>C, p.Cys3525Arg (NM_001374734.1); c.5185-3861T>C (NM_001144769.5); c.4771-3861T>C (NM_001144770.2); c.4651-3861T>C (NM_001374730.1, NM_001386100.1, NM_183380.4); c.3673-3861T>C (NM_015548.5); short protein forms C3305R, C3516R, C3525R.
Identifiers: ClinVar variation 2673064 (VCV002673064.23), dbSNP rs1283215322, ClinGen allele CA364534580.

ClinVar aggregate classification (germline): Uncertain significance (1 of 4 stars; one submission).

Allele frequency attached by ClinVar (database versions not stated): gnomAD exomes 0.00001.
gnomAD v4.1: 12 of 1,580,248 alleles (0.00076%); highest among the groups gnomAD compares: Non-Finnish European, 0.00086%; no homozygotes.

Submission:

CeGaT Center for Human Genetics Tuebingen
Classification: Uncertain significance. Last evaluated: 2023-11-01. Review status: criteria provided, single submitter. Criteria: CeGaT Center For Human Genetics Tuebingen Variant Classification Criteria Version 2. Collection method: clinical testing. Allele origin: germline. Affected: yes. Observed: 1 variant allele.
Comment: DST: PM2, BP4